The following is an entry in ClinVar:

NM_000478.6(ALPL):c.182-1G>A

Gene: ALPL (alkaline phosphatase, biomineralization associated; plus strand). Cytogenetic location: 1p36.12.
Variant type: single nucleotide variant.
Coding change: c.182-1G>A on transcript NM_000478.6 (MANE Select); the canonical splice acceptor site of the intron before coding-DNA position 182, G replaced by A.
Molecular consequence: splice acceptor variant. On other transcripts: intron variant (1).
Genome position (GRCh38, 1-based): chr1:21,561,096, G>A. VCF-style: chr1-21561096-G-A. GRCh37 (hg19) VCF-style: chr1-21887589-G-A.
Other names: c.182-1G>A (NM_001369805.2, NM_001369804.2, NM_001369803.2); c.17-1G>A (NM_001127501.4); c.66+351G>A (NM_001177520.3).
Identifiers: ClinVar variation 3775111 (VCV003775111.2).

ClinVar aggregate classification (germline): Pathogenic/Likely pathogenic. Review status: criteria provided, multiple submitters, no conflicts (2 of 4 stars). 2 submissions from 2 submitters: Pathogenic (1); Likely pathogenic (1). Last evaluated 2025-08-29.

Conditions:
Hypophosphatasia. Also called: Phosphoethanol-aminuria. Identifiers: Orphanet 436, MedGen C0020630, MeSH D007014, MONDO:0018570.

Submissions (2):

Genomenon, Inc
Classification: Pathogenic for Hypophosphatasia. Last evaluated: 2025-08-29. Review status: criteria provided, single submitter. Criteria: Genomenon Sequence Variant Interpretation Standards. Collection method: curation. Allele origin: germline. Affected: yes.
Comment: ALPL c.182-1G>A is a canonical splice variant located in the acceptor splice region of intron 3. This variant has been observed in at least one proband affected with hypophosphatasia (PMID:38884565). It is absent or not present at a significant frequency in gnomAD. In conclusion, we classify ALPL c.182-1G>A as a pathogenic variant.

JKU Lab, Dept of Paediatrics, Johannes Kepler University
Classification: Likely pathogenic for Hypophosphatasia. Last evaluated: 2025-02-27. Review status: criteria provided, single submitter. Criteria: ACMG Guidelines, 2015. Collection method: clinical testing. Allele origin: germline. Affected: yes. Observed: 1 heterozygote.
Comment: This splice site variant is not present in GnomAD 4.1 and affects a highly conserved amino acid. Splice-prediction algorithms predict an acceptor loss of 0.99 and an acceptor gain of 0.51 (19bp). This variant has been reported in the literature in individuals affected with ALPL-related conditions (PMID 38884565). The applied ACMG criteria can be viewed at an online resource

Literature cited by the submitters: PubMed 38884565 (cited by Genomenon, Inc and JKU Lab, Dept of Paediatrics, Johannes Kepler University).